The following is an entry in ClinVar:

NM_182961.4(SYNE1):c.5032G>A (p.Ala1678Thr)

Gene: SYNE1 (spectrin repeat containing nuclear envelope protein 1; minus strand). Cytogenetic location: 6q25.2.
Variant type: single nucleotide variant.
Coding change: c.5032G>A on transcript NM_182961.4 (MANE Select); coding-DNA position 5032, G replaced by A.
Protein change: p.Ala1678Thr; replaces alanine 1678 with threonine.
Molecular consequence: missense variant.
Genome position (GRCh38, 1-based): chr6:152,427,761, C>T on the plus strand (G>A on the coding strand, the complement: SYNE1 is on the minus strand). VCF-style: chr6-152427761-C-T. GRCh37 (hg19) VCF-style: chr6-152748896-C-T.
Other names: c.5053G>A, p.Ala1685Thr (NM_033071.5); short protein forms A1678T, A1685T.
Identifiers: ClinVar variation 471048 (VCV000471048.7), dbSNP rs1554680800, ClinGen allele CA366139538.
Genomic context (GRCh38, chr6:152,427,761, plus strand): 5'-ACTGAAGTTCACCTTCCACTTTGACTCTGTCTGCAGAAATGTCCATTTCTGGGGAACTGG[C>T]TTTAGCTTCACCCCGCTCTAACCAGGTCAAAAAGGATGATAGTTCTTTCTCTAGCCTAAA-3'
Protein context (NP_892006.3, residues 1668-1688): LTWLERGEAK[Ala1678Thr]SSPEMDISAD

ClinVar aggregate classification (germline): Uncertain significance (1 of 4 stars; one submission).

Conditions:
Emery-Dreifuss muscular dystrophy 4, autosomal dominant (EDMD4). Also called: EMERY-DREIFUSS MUSCULAR DYSTROPHY 4 WITH VARIABLE FEATURES. Identifiers: Orphanet 261, MedGen C2751807, MONDO:0013071, OMIM 612998.
Autosomal recessive ataxia, Beauce type. Also called: SYNE1-Related Autosomal Recessive Cerebellar Ataxia; Spinocerebellar ataxia, autosomal recessive 8; ATAXIA, RECESSIVE, OF BEAUCE; SYNE1 Deficiency. Identifiers: Orphanet 88644, MedGen C1853116, MONDO:0012549, OMIM 610743.

Allele frequency attached by ClinVar (database versions not stated): gnomAD exomes below 0.00001; gnomAD 0.00001; TOPMed 0.00001.
gnomAD v4.1: 2 of 1,613,994 alleles (0.00012%); highest among the groups gnomAD compares: Admixed American, 0.0033%; no homozygotes.

Submission:

Labcorp Genetics (formerly Invitae), Labcorp
Classification: Uncertain significance for Emery-Dreifuss muscular dystrophy 4, autosomal dominant; Autosomal recessive ataxia, Beauce type. Last evaluated: 2016-10-12. Review status: criteria provided, single submitter. Criteria: Invitae Variant Classification Sherloc (09022015). Collection method: clinical testing. Allele origin: germline.
Comment: In summary, this variant is a novel missense change that is not predicted to affect protein function. There is no indication that it causes disease, but the available evidence is currently insufficient to prove that conclusively. Therefore, it has been classified as a Variant of Uncertain Significance. Algorithms developed to predict the effect of missense changes on protein structure and function output the following: (SIFT: "Tolerated"; PolyPhen-2: "Benign"; Align-GVGD: "Class C0"). The threonine amino acid residue is found in multiple mammalian species, suggesting that this missense change does not adversely affect protein function. These predictions have not been confirmed by published functional studies. This variant is not present in population databases (ExAC no frequency) and has not been reported in the literature in individuals with a SYNE1-related disease. This sequence change replaces alanine with threonine at codon 1685 of the SYNE1 protein (p.Ala1685Thr). The alanine residue is moderately conserved and there is a small physicochemical difference between alanine and threonine.